The following is an entry in ClinVar:

ClinVar aggregate classification (germline): Pathogenic (1 of 4 stars; one submission).

Allele frequency attached by ClinVar (database versions not stated): gnomAD exomes below 0.00001.

Submission:

Labcorp Genetics (formerly Invitae), Labcorp
Classification: Pathogenic. Last evaluated: 2023-09-01. Review status: criteria provided, single submitter. Criteria: Invitae Variant Classification Sherloc (09022015). Collection method: clinical testing. Allele origin: germline.
Comment: This sequence change creates a premature translational stop signal (p.Thr282Metfs*49) in the HPS1 gene. It is expected to result in an absent or disrupted protein product. Loss-of-function variants in HPS1 are known to be pathogenic (PMID: 12442288, 16185271). This variant is not present in population databases (gnomAD no frequency). This variant has not been reported in the literature in individuals affected with HPS1-related conditions. For these reasons, this variant has been classified as Pathogenic.

Literature cited by the submitters: PubMed 12442288; PubMed 16185271.

NM_000195.5(HPS1):c.845del (p.Thr282fs)

Gene: HPS1 (HPS1 biogenesis of lysosomal organelles complex 3 subunit 1; minus strand). Cytogenetic location: 10q24.2.
Variant type: Deletion.
Coding change: c.845del on transcript NM_000195.5 (MANE Select); coding-DNA position 845, one base deleted (C; older notation c.845delC).
Protein change: p.Thr282fs; shifts the reading frame from threonine 282.
Molecular consequence: frameshift variant. On other transcripts: 5 prime UTR variant (1), intron variant (8).
Genome position (GRCh38, 1-based): chr10:98,429,813, G deleted on the plus strand (C on the coding strand, the reverse complement: HPS1 is on the minus strand). VCF-style (leftmost placement, unchanged base first): chr10-98429812-AG-A. GRCh37 (hg19) VCF-style: chr10-100189569-AG-A.
Other names: c.845del, p.Thr282fs (NM_001322476.2, NM_001322477.2, NM_182639.4); c.584del, p.Thr195fs (NM_001322480.2, NM_001322481.2); c.476del, p.Thr159fs (NM_001322483.2, NM_001322484.2); c.-128del (NM_001322487.2); c.727del, p.Leu243fs (NM_001322490.2); c.769-171del (NM_001322478.2, NM_001322479.2, NM_001322491.2); c.400-171del (NM_001322485.2); c.508-171del (NM_001322482.2); and 2 more; short protein forms L243fs, T195fs, T159fs, T282fs.
Identifiers: ClinVar variation 2757121 (VCV002757121.3), dbSNP rs2538903505, ClinGen allele CA2610460498.
Genomic context (GRCh38, chr10:98,429,812, plus strand): 5'-CCCTCCTGCCCCTGACTCCACGAAGTGCACAGCACACACCGTCTCTGCAGAGCTCCCCCC[AG>A]TTGGGCCCGTGGAGTGAGGGCTCCAGGCCTGCTGCACGGGGATGTTCTGGCTGCTCCGGG-3'